The following is an entry in ClinVar:

ClinVar aggregate classification (germline): Uncertain significance (1 of 4 stars; one submission).

Conditions:
Immunodeficiency 104. Also called: Severe combined immunodeficiency, autosomal recessive, T cell-negative, B cell-positive, NK cell-positive; Severe Combined Immune Deficiency, Autosomal Recessive, TCell -Negative, B Cell-Positive, NK Cell-Positive, IL7R-Related; SCID, AUTOSOMAL RECESSIVE, T CELL-NEGATIVE, B CELL-POSITIVE, NK CELL-POSITIVE; IMMUNODEFICIENCY 104, SEVERE COMBINED. Identifiers: MedGen C5676890, MONDO:0012163, OMIM 608971.

Allele frequency attached by ClinVar (database versions not stated): gnomAD 0.00001; TOPMed 0.00001.
gnomAD v4.1: 20 of 1,603,610 alleles (0.0012%); highest among the groups gnomAD compares: East Asian, 0.0045%; no homozygotes.

Submission:

Labcorp Genetics (formerly Invitae), Labcorp
Classification: Uncertain significance for Immunodeficiency 104. Last evaluated: 2023-10-13. Review status: criteria provided, single submitter. Criteria: Invitae Variant Classification Sherloc (09022015). Collection method: clinical testing. Allele origin: germline.
Comment: This sequence change replaces arginine, which is basic and polar, with glutamine, which is neutral and polar, at codon 774 of the PTPRC protein (p.Arg774Gln). This variant is present in population databases (rs755859528, gnomAD 0.01%). This variant has not been reported in the literature in individuals affected with PTPRC-related conditions. ClinVar contains an entry for this variant (Variation ID: 1392845). Algorithms developed to predict the effect of missense changes on protein structure and function output the following: SIFT: "Not Available"; PolyPhen-2: "Benign"; Align-GVGD: "Not Available". The glutamine amino acid residue is found in multiple mammalian species, which suggests that this missense change does not adversely affect protein function. In summary, the available evidence is currently insufficient to determine the role of this variant in disease. Therefore, it has been classified as a Variant of Uncertain Significance.

NM_002838.5(PTPRC):c.2321G>A (p.Arg774Gln)

Gene: PTPRC (protein tyrosine phosphatase receptor type C; plus strand). Cytogenetic location: 1q32.1.
Variant type: single nucleotide variant.
Coding change: c.2321G>A on transcript NM_002838.5 (MANE Select); coding-DNA position 2321, G replaced by A.
Protein change: p.Arg774Gln; replaces arginine 774 with glutamine.
Molecular consequence: missense variant.
Genome position (GRCh38, 1-based): chr1:198,735,170, G>A. VCF-style: chr1-198735170-G-A. GRCh37 (hg19) VCF-style: chr1-198704299-G-A.
Other names: c.1838G>A, p.Arg613Gln (NM_080921.4); short protein forms R613Q, R774Q.
Identifiers: ClinVar variation 1392845 (VCV001392845.7), dbSNP rs755859528, ClinGen allele CA1315081.
Genomic context (GRCh38, chr1:198,735,170, plus strand): 5'-AATTTTTTAAAATGTAGAACAAGTGTGCAGAATACTGGCCGTCAATGGAAGAGGGCACTC[G>A]GGCTTTTGGAGATGTTGTTGTAAAGATCAACCAGCACAAAAGATGTCCAGATTACATCAT-3'
Protein context (NP_002829.3, residues 764-784): EYWPSMEEGT[Arg774Gln]AFGDVVVKIN